The following is an entry in ClinVar:

ClinVar aggregate classification (germline): Likely benign. Review status: criteria provided, multiple submitters, no conflicts (2 of 4 stars). 3 submissions from 3 submitters: Likely benign (3). Last evaluated 2025-02-25.

Conditions:
Multiple endocrine neoplasia, type 2 (MEN2). Identifiers: Orphanet 653, MedGen C4048306, MONDO:0019003. Disease mechanism: gain of function.
Multiple endocrine neoplasia type 2A. Also called: MULTIPLE ENDOCRINE NEOPLASIA, TYPE IIA; PTC SYNDROME; SIPPLE SYNDROME; MEN 2A; MEN-2A syndrome; Pheochromocytoma and amyloid producing medullary thyroid carcinoma. Identifiers: Orphanet 247698, Orphanet 653, MedGen C0025268, MeSH D018813, MONDO:0008234, OMIM 171400.
Multiple endocrine neoplasia type 2B. Also called: MUCOSAL NEUROMA SYNDROME; MEN 2B; Multiple endocrine neoplasia, type 3; MULTIPLE ENDOCRINE NEOPLASIA, TYPE IIB; MEN IIB; NEUROMATA, MUCOSAL, WITH ENDOCRINE TUMORS. Identifiers: Orphanet 247709, Orphanet 653, MedGen C0025269, MeSH D018814, MONDO:0008082, OMIM 162300.
Pheochromocytoma. Also called: MAX-Related Hereditary Paraganglioma-Pheochromocytoma Syndrome. Identifiers: Orphanet 29072, MedGen C0031511, MONDO:0008233, OMIM 171300, HP:0002666.
Familial medullary thyroid carcinoma (MTC). Also called: Thyroid cancer, familial medullary; MTC, familial; Familial Medullary Thyroid Carcinoma (FMTC). Identifiers: Orphanet 653, Orphanet 99361, MedGen C1833921, MONDO:0007958, OMIM 155240.
Hirschsprung disease, susceptibility to, 1 (HSCR1). Also called: RET-Related Hirschsprung Disease. Identifiers: Orphanet 388, MedGen C3888239, MONDO:0007723, OMIM 142623.

gnomAD v4.1: 5 of 1,606,078 alleles (0.00031%); highest among the groups gnomAD compares: Admixed American, 0.0033%; no homozygotes.

Submissions (3):

Myriad Genetics, Inc.
Classification: Likely benign for Multiple endocrine neoplasia type 2A. Last evaluated: 2025-02-25. Review status: criteria provided, single submitter. Criteria: Myriad Autosomal Dominant, Autosomal Recessive and X-Linked Classification Criteria (2023). Collection method: clinical testing. Allele origin: unknown.
Comment: This variant is considered likely benign. This variant is intronic and is not expected to impact mRNA splicing.

Labcorp Genetics (formerly Invitae), Labcorp
Classification: Likely benign for Multiple endocrine neoplasia, type 2. Last evaluated: 2024-10-02. Review status: criteria provided, single submitter. Criteria: Invitae Variant Classification Sherloc (09022015). Collection method: clinical testing. Allele origin: germline.

Fulgent Genetics
Classification: Likely benign for Hirschsprung disease, susceptibility to, 1; Familial medullary thyroid carcinoma; Multiple endocrine neoplasia type 2B; Pheochromocytoma; Multiple endocrine neoplasia type 2A. Last evaluated: 2021-07-05. Review status: criteria provided, single submitter. Criteria: ACMG Guidelines, 2015. Collection method: clinical testing. Allele origin: unknown.

NM_020975.6(RET):c.868-18G>T

Gene: RET (ret proto-oncogene; plus strand). Cytogenetic location: 10q11.21.
Variant type: single nucleotide variant.
Coding change: c.868-18G>T on transcript NM_020975.6 (MANE Select); 18 bases into the intron before coding-DNA position 868, G replaced by T.
Molecular consequence: intron variant.
Genome position (GRCh38, 1-based): chr10:43,106,358, G>T. VCF-style: chr10-43106358-G-T. GRCh37 (hg19) VCF-style: chr10-43601806-G-T.
Other names: c.868-18G>T (NM_020630.7, NM_001406743.1, NM_001406744.1 and 4 more transcripts); c.867+1165G>T (NM_001406772.1, NM_001406769.1); c.626-2673G>T (NM_001406773.1, NM_001406771.1); c.625+3729G>T (NM_001406782.1, NM_001406780.1, NM_001406779.1 and 3 more transcripts); c.739-18G>T (NM_001406764.1, NM_001406762.1, NM_001406761.1 and 1 more transcripts); c.738+1165G>T (NM_001406774.1); c.496+3729G>T (NM_001406786.1, NM_001406783.1); c.580-18G>T (NM_001406770.1, NM_001406766.1, NM_001406767.1); and 5 more.
Identifiers: ClinVar variation 1662743 (VCV001662743.10), dbSNP rs57098408, ClinGen allele CA206257420.
Genomic context (GRCh38, chr10:43,106,358, plus strand): 5'-CATTCTAAGGTCTCTGGTTTTGGGGGGTCTGAGGGGCCCATCTCGCCTGCACTGACCAAC[G>T]CCCTCTGCATCCTGCAGGACACCGTGGTGGCCACGCTGCGTGTCTTCGATGCAGACGTGG-3'